The following is an entry in ClinVar:

NM_015937.6(PIGT):c.295T>G (p.Trp99Gly)

Gene: PIGT (phosphatidylinositol glycan anchor biosynthesis class T; plus strand). Cytogenetic location: 20q13.12.
Variant type: single nucleotide variant.
Coding change: c.295T>G on transcript NM_015937.6 (MANE Select); coding-DNA position 295, T replaced by G.
Protein change: p.Trp99Gly; replaces tryptophan 99 with glycine.
Molecular consequence: missense variant. On other transcripts: non-coding transcript variant (3), intron variant (1).
Genome position (GRCh38, 1-based): chr20:45,416,624, T>G. VCF-style: chr20-45416624-T-G. GRCh37 (hg19) VCF-style: chr20-44045264-T-G.
Other names: c.295T>G, p.Trp99Gly (NM_001184728.3, NM_001184729.3); c.187+281T>G (NM_001184730.3); short protein forms W99G.
Identifiers: ClinVar variation 2128623 (VCV002128623.4), dbSNP rs2515515760, ClinGen allele CA409166238.
Genomic context (GRCh38, chr20:45,416,624, plus strand): 5'-AAGTATTCTCTACGGGAGCTGCACCTGTCATTCACACAAGGCTTTTGGAGGACCCGATAC[T>G]GGGGGCCACCCTTCCTGCAGGCCCCATCAGGTGCAGAGCTGTGGGTCTGGTTCCAAGACA-3'
Protein context (NP_057021.2, residues 89-109): FTQGFWRTRY[Trp99Gly]GPPFLQAPSG

ClinVar aggregate classification (germline): Uncertain significance (1 of 4 stars; one submission).

Conditions:
Multiple congenital anomalies-hypotonia-seizures syndrome 3 (MCAHS3). Also called: GLYCOSYLPHOSPHATIDYLINOSITOL BIOSYNTHESIS DEFECT 7. Identifiers: Orphanet 369837, MedGen C3809356, MONDO:0014165, OMIM 615398.

Allele frequency attached by ClinVar (database versions not stated): gnomAD exomes below 0.00001.
gnomAD v4.1: 1 of 1,614,162 alleles (0.000062%); highest among the groups gnomAD compares: Non-Finnish European, 0.000085%; no homozygotes.

Submission:

Labcorp Genetics (formerly Invitae), Labcorp
Classification: Uncertain significance for Multiple congenital anomalies-hypotonia-seizures syndrome 3. Last evaluated: 2024-08-12. Review status: criteria provided, single submitter. Criteria: Invitae Variant Classification Sherloc (09022015). Collection method: clinical testing. Allele origin: germline.
Comment: This sequence change replaces tryptophan, which is neutral and slightly polar, with glycine, which is neutral and non-polar, at codon 99 of the PIGT protein (p.Trp99Gly). This variant is not present in population databases (gnomAD no frequency). This variant has not been reported in the literature in individuals affected with PIGT-related conditions. ClinVar contains an entry for this variant (Variation ID: 2128623). Advanced modeling of protein sequence and biophysical properties (such as structural, functional, and spatial information, amino acid conservation, physicochemical variation, residue mobility, and thermodynamic stability) performed at Invitae indicates that this missense variant is expected to disrupt PIGT protein function with a positive predictive value of 80%. In summary, the available evidence is currently insufficient to determine the role of this variant in disease. Therefore, it has been classified as a Variant of Uncertain Significance.